The following is an entry in ClinVar:

NM_001374736.1(DST):c.14474T>C (p.Ile4825Thr)

Gene: DST (dystonin; minus strand). Cytogenetic location: 6p12.1.
Variant type: single nucleotide variant.
Coding change: c.14474T>C on transcript NM_001374736.1 (MANE Select); coding-DNA position 14474, T replaced by C.
Protein change: p.Ile4825Thr; replaces isoleucine 4825 with threonine.
Molecular consequence: missense variant.
Genome position (GRCh38, 1-based): chr6:56,557,485, A>G on the plus strand (T>C on the coding strand, the complement: DST is on the minus strand). VCF-style: chr6-56557485-A-G. GRCh37 (hg19) VCF-style: chr6-56422283-A-G.
Other names: c.8117T>C, p.Ile2706Thr (NM_001144769.5); c.7703T>C, p.Ile2568Thr (NM_001144770.2); c.14474T>C, p.Ile4825Thr (NM_001374722.1); c.13841T>C, p.Ile4614Thr (NM_001374729.1); c.7583T>C, p.Ile2528Thr (NM_001374730.1, NM_001386100.1, NM_183380.4); c.14501T>C, p.Ile4834Thr (NM_001374734.1); c.6605T>C, p.Ile2202Thr (NM_015548.5); short protein forms I4825T, I4834T, I4614T, I2528T, I2706T, I2202T, I2568T.
Identifiers: ClinVar variation 2176879 (VCV002176879.2), dbSNP rs749014320, ClinGen allele CA3868000.
Genomic context (GRCh38, chr6:56,557,485, plus strand): 5'-TCTACAGTCTGGAACTGGGTTAGATTATTGGAGGATTCTTCCAGTTTTTGTTGTCTATCA[A>G]TTGTTAATTGATTGAGTTCTTGCCACTTAGAATCTAAAAGAAAAAAAATGAAACTGGTGT-3'
Protein context (NP_001361665.1, residues 4815-4835): SKWQELNQLT[Ile4825Thr]DRQQKLEESS

ClinVar aggregate classification (germline): Uncertain significance (1 of 4 stars; one submission).

Conditions:
Hereditary sensory and autonomic neuropathy type 6. Also called: HSAN VI; Neuropathy, hereditary sensory and autonomic, type VI. Identifiers: Orphanet 314381, MedGen C3539003, MONDO:0013839, OMIM 614653.
Epidermolysis bullosa simplex 3, localized or generalized intermediate, with BP230 deficiency (EBS3). Also called: Epidermolysis bullosa simplex due to BP230 deficiency; Epidermolysis bullosa simplex, autosomal recessive 2. Identifiers: Orphanet 412181, MedGen C3809470, MONDO:0014180, OMIM 615425.

Allele frequency attached by ClinVar (database versions not stated): TOPMed below 0.00001; ExAC 0.00001; gnomAD exomes 0.00001.
gnomAD v4.1: 3 of 1,613,352 alleles (0.00019%); highest among the groups gnomAD compares: South Asian, 0.0011%; no homozygotes.

Submission:

Labcorp Genetics (formerly Invitae), Labcorp
Classification: Uncertain significance for Epidermolysis bullosa simplex 3, localized or generalized intermediate, with BP230 deficiency; Hereditary sensory and autonomic neuropathy type 6. Last evaluated: 2022-10-07. Review status: criteria provided, single submitter. Criteria: Invitae Variant Classification Sherloc (09022015). Collection method: clinical testing. Allele origin: germline.
Comment: Experimental studies and prediction algorithms are not available or were not evaluated, and the functional significance of this variant is currently unknown. In summary, the available evidence is currently insufficient to determine the role of this variant in disease. Therefore, it has been classified as a Variant of Uncertain Significance. This variant has not been reported in the literature in individuals affected with DST-related conditions. This variant is present in population databases (rs749014320, gnomAD 0.002%). This sequence change replaces isoleucine, which is neutral and non-polar, with threonine, which is neutral and polar, at codon 2202 of the DST protein (p.Ile2202Thr). The DST gene has multiple clinically relevant transcripts. This variant occurs in alternate transcript NM_015548.4, and corresponds to NM_001723.5:c.*58032T>C in the primary transcript.